The following is an entry in ClinVar:

ClinVar aggregate classification (germline): Pathogenic. Review status: criteria provided, multiple submitters, no conflicts (2 of 4 stars). 6 submissions from 6 submitters: Pathogenic (4). 2 of the submissions do not count toward it. Last evaluated 2025-06-25.

Conditions:
RASA1-related disorder. Also called: RASA1-related condition.
Vascular malformation. Also called: Vascular malformations. Identifiers: MedGen C0158570, MONDO:0024291.
Capillary malformation-arteriovenous malformation syndrome. Also called: Capillary malformation-arteriovenous malformation. Identifiers: Orphanet 137667, MedGen C1842180, MONDO:0012016.
Capillary malformation-arteriovenous malformation 1 (CMAVM1). Identifiers: Orphanet 137667, Orphanet 693907, MedGen C4747394, MONDO:0020783, OMIM 608354.

gnomAD v4.1: 1 of 1,612,314 alleles (0.000062%); highest among the groups gnomAD compares: Non-Finnish European, 0.000085%; no homozygotes.

Submissions (6):

Labcorp Genetics (formerly Invitae), Labcorp
Classification: Pathogenic for Capillary malformation-arteriovenous malformation syndrome. Last evaluated: 2025-06-25. Review status: criteria provided, single submitter. Criteria: Invitae Variant Classification Sherloc (09022015). Collection method: clinical testing. Allele origin: germline.
Comment: This sequence change creates a premature translational stop signal (p.Arg285*) in the RASA1 gene. It is expected to result in an absent or disrupted protein product. Loss-of-function variants in RASA1 are known to be pathogenic (PMID: 24038909). This variant is not present in population databases (gnomAD no frequency). This premature translational stop signal has been observed in individual(s) with capillary malformation (PMID: 18363760, 25040287). ClinVar contains an entry for this variant (Variation ID: 16001). Algorithms developed to predict the effect of sequence changes on RNA splicing suggest that this variant may disrupt the consensus splice site. For these reasons, this variant has been classified as Pathogenic.

GeneDx
Classification: Pathogenic. Last evaluated: 2025-02-07. Review status: criteria provided, single submitter. Criteria: GeneDx Variant Classification Process June 2021. Collection method: clinical testing. Allele origin: germline. Affected: yes.
Comment: Nonsense variant predicted to result in protein truncation or nonsense mediated decay in a gene for which loss of function is a known mechanism of disease; Not observed at significant frequency in large population cohorts (gnomAD); This variant is associated with the following publications: (PMID: 29891884, 25525159, 18363760, 27535533, 39367533, Sun2023[CaseReport], 25040287)

Clinical Genomics Laboratory, Washington University in St. Louis
Classification: Pathogenic for Vascular malformation. Last evaluated: 2023-09-06. Review status: criteria provided, single submitter. Criteria: ACMG Guidelines, 2015. Collection method: clinical testing. Allele origin: somatic. Affected: yes.
Comment: The RASA1 c.853C>T (p.Arg285Ter) variant was identified at an allelic fraction consistent with somatic origin. This variant has been reported in multiple individuals with vascular malformations (Hershkovitz D et al., PMID: 18363760; Revencu N et al., PMID: 24038909; Weitz NA et al., PMID: 25040287; Wooderchak-Donahue WL et al., PMID: 29891884). This variant has been reported in the ClinVar database as a germline pathogenic variant by one submitter (ClinVar ID: 16001) and in multiple cases in the cancer database CbioPortal. This variant is absent from the general population (gnomAD v.3.1.2), indicating that it is not a common variant. The RASA1 c.853C>T (p.Arg285Ter) variant causes a premature truncation codon, which is predicted to result in nonsense-mediated decay, and loss of function is the known disease mechanism (Revencu N et al., PMID: 24038909). Based on an internally-developed protocol informed by the ACMG/AMP guidelines (Richards S et al., PMID: 25741868) and gene-specific practices from the ClinGen Criteria Specification Registry, the RASA1 c.853C>T (p.Arg285Ter) variant is classified as pathogenic.

Victorian Clinical Genetics Services, Murdoch Childrens Research Institute
Classification: Pathogenic for Capillary malformation-arteriovenous malformation 1. Last evaluated: 2022-06-24. Review status: criteria provided, single submitter. Criteria: ACMG Guidelines, 2015. Collection method: clinical testing. Allele origin: germline. Inheritance: Autosomal dominant inheritance. Affected: yes.
Comment: Based on the classification scheme VCGS_Germline_v1.3.4, this variant is classified as Pathogenic. Following criteria are met: 0102 - Loss of function is a known mechanism of disease in this gene and is associated with capillary malformation-arteriovenous malformation 1 (MIM#608354). (I) 0107 - This gene is associated with autosomal dominant disease. (I) 0201 - Variant is predicted to cause nonsense-mediated decay (NMD) and loss of protein (premature termination codon is located at least 54 nucleotides upstream of the final exon-exon junction). (SP) 0251 - This variant is heterozygous. (I) 0301 - Variant is absent from gnomAD (both v2 and v3). (SP) 0701 - Other NMD-predicted variants comparable to the one identified in this case have very strong previous evidence for pathogenicity (DECIPHER). (SP) 0801 - This variant has strong previous evidence of pathogenicity in unrelated individuals. This variant has been observed in five unrelated individuals with capillary malformation-arteriovenous malformation, including two de novo cases and one family where the variant segregated in several affected members (PMIDs: 29891884, 25040287, 18363760, 24038909). (SP) 1007 - No published functional evidence has been identified for this variant. (I) 1208 - Inheritance information for this variant is not currently available in this individual. (I) Legend: (SP) - Supporting pathogenic, (I) - Information, (SB) - Supporting benign

PreventionGenetics, part of Exact Sciences
Classification: Pathogenic for RASA1-related condition. Last evaluated: 2023-12-28. Review status: no assertion criteria provided. Collection method: clinical testing. Allele origin: germline. Not counted in ClinVar's aggregate classification.
Comment: The RASA1 c.853C>T variant is predicted to result in premature protein termination (p.Arg285*). This variant has been reported as segregating with disease in a large kindred with capillary malformations (Hershkovitz et al. 2008. PubMed ID: 18363760) and in other unrelated individuals with capillary malformations (Weitz et al. 2014. PubMed ID: 25040287; Wooderchak-Donahue et al. 2018. PubMed ID: 29891884). This variant has not been reported in a large population database, indicating this variant is rare. Nonsense variants in RASA1 are expected to be pathogenic. Given the evidence, we interpret this variant as pathogenic.

OMIM
Classification: Pathogenic for CAPILLARY MALFORMATION-ARTERIOVENOUS MALFORMATION 1. Last evaluated: 2008-05-01. Review status: no assertion criteria provided. Collection method: literature only. Allele origin: germline. Not counted in ClinVar's aggregate classification.

Literature cited by the submitters: PubMed 24038909 (cited by Labcorp Genetics (formerly Invitae), Labcorp and Victorian Clinical Genetics Services, Murdoch Childrens Research Institute); PubMed 18363760 (cited by 3 submitters); PubMed 25040287 (cited by Labcorp Genetics (formerly Invitae), Labcorp and Victorian Clinical Genetics Services, Murdoch Childrens Research Institute); PubMed 29891884 (cited by Victorian Clinical Genetics Services, Murdoch Childrens Research Institute).

NM_002890.3(RASA1):c.853C>T (p.Arg285Ter)

Genes: CCNH (cyclin H; minus strand), RASA1 (RAS p21 protein activator 1; plus strand). Cytogenetic location: 5q14.3.
Variant type: single nucleotide variant.
Coding change: c.853C>T on transcript NM_002890.3 (MANE Select); coding-DNA position 853, C replaced by T.
Protein change: p.Arg285Ter; replaces arginine 285 with a stop codon.
Molecular consequence: nonsense. On other transcripts: intron variant (1).
Genome position (GRCh38, 1-based): chr5:87,333,291, C>T. VCF-style: chr5-87333291-C-T. GRCh37 (hg19) VCF-style: chr5-86629108-C-T.
Other names: c.322C>T, p.Arg108Ter (NM_022650.3); c.934-20496G>A (NM_001364075.2); short protein forms R285*, R108*.
Identifiers: ClinVar variation 16001 (VCV000016001.12), dbSNP rs137853218, ClinGen allele CA126146.
Genomic context (GRCh38, chr5:87,333,291, plus strand): 5'-TATCTTTTTAAATCTTTTTTTTTTTATGGTTTCTAGCCAGTAGAAGATAGAAGGCGTGTA[C>T]GAGCTATTCTACCTTACACAAAAGTACCAGACACTGATGAAATAAGGTATTTTATAATCT-3'